The following is an entry in ClinVar:

ClinVar aggregate classification (germline): Benign/Likely benign. Review status: criteria provided, multiple submitters, no conflicts (2 of 4 stars). 2 submissions from 2 submitters: Benign (1); Likely benign (1). Last evaluated 2025-02-25.

Conditions:
Breast-ovarian cancer, familial, susceptibility to, 4. Identifiers: Orphanet 145, MedGen C3280345, MONDO:0013669, OMIM 614291.

Submissions (2):

Myriad Genetics, Inc.
Classification: Benign for Breast-ovarian cancer, familial, susceptibility to, 4. Last evaluated: 2025-02-25. Review status: criteria provided, single submitter. Criteria: Myriad Autosomal Dominant, Autosomal Recessive and X-Linked Classification Criteria (2023). Collection method: clinical testing. Allele origin: unknown.
Comment: This variant is considered benign. This variant is a silent/synonymous amino acid change and it is not expected to impact splicing.

Labcorp Genetics (formerly Invitae), Labcorp
Classification: Likely benign for Breast-ovarian cancer, familial, susceptibility to, 4. Last evaluated: 2024-03-20. Review status: criteria provided, single submitter. Criteria: Invitae Variant Classification Sherloc (09022015). Collection method: clinical testing. Allele origin: germline.

NM_002878.4(RAD51D):c.855A>T (p.Gly285=)

Genes: RAD51D (RAD51 paralog D; minus strand), RAD51L3-RFFL (RAD51L3-RFFL readthrough; minus strand). Cytogenetic location: 17q12.
Variant type: single nucleotide variant.
Coding change: c.855A>T on transcript NM_002878.4 (MANE Select); coding-DNA position 855, A replaced by T.
Protein change: p.Gly285=; no amino-acid change (glycine 285 retained).
Molecular consequence: synonymous variant. On other transcripts: non-coding transcript variant (3).
Genome position (GRCh38, 1-based): chr17:35,101,249, T>A on the plus strand (A>T on the coding strand, the complement: RAD51D is on the minus strand). VCF-style: chr17-35101249-T-A. GRCh37 (hg19) VCF-style: chr17-33428268-T-A.
Other names: c.915A>T, p.Gly305= (NM_001142571.2); c.519A>T, p.Gly173= (NM_133629.3).
Identifiers: ClinVar variation 3646901 (VCV003646901.3).